The following is an entry in ClinVar:

ClinVar aggregate classification (germline): Uncertain significance (1 of 4 stars; one submission).

Conditions:
Early-infantile DEE. Also called: Early infantile epileptic encephalopathy; Ohtahara syndrome; Early infantile epileptic encephalopathy with suppression bursts. Identifiers: Orphanet 1934, MedGen C0393706, MONDO:0800491.

Submission:

Labcorp Genetics (formerly Invitae), Labcorp
Classification: Uncertain significance for Early-infantile DEE. Last evaluated: 2019-10-11. Review status: criteria provided, single submitter. Criteria: Invitae Variant Classification Sherloc (09022015). Collection method: clinical testing. Allele origin: germline.
Comment: In summary, the available evidence is currently insufficient to determine the role of this variant in disease. Therefore, it has been classified as a Variant of Uncertain Significance. Experimental studies and prediction algorithms are not available or were not evaluated, and the effect of this variant on mRNA splicing is currently unknown. This variant has not been reported in the literature in individuals with SCN1A-related conditions. This variant is not present in population databases (ExAC no frequency). This sequence change affects codon 343 of the SCN1A mRNA. It is a 'silent' change, meaning that it does not change the encoded amino acid sequence of the SCN1A protein.

NM_001165963.4(SCN1A):c.1029C>G (p.Gly343=)

Gene: SCN1A (sodium voltage-gated channel alpha subunit 1; minus strand). Cytogenetic location: 2q24.3.
Variant type: single nucleotide variant.
Coding change: c.1029C>G on transcript NM_001165963.4 (MANE Select); coding-DNA position 1029, C replaced by G.
Protein change: p.Gly343=; no amino-acid change (glycine 343 retained).
Molecular consequence: synonymous variant. On other transcripts: 5 prime UTR variant (1), non-coding transcript variant (1).
Genome position (GRCh38, 1-based): chr2:166,047,768, G>C on the plus strand (C>G on the coding strand, the complement: SCN1A is on the minus strand). VCF-style: chr2-166047768-G-C. GRCh37 (hg19) VCF-style: chr2-166904278-G-C.
Other names: c.1029C>G, p.Gly343= (NM_001165964.3, NM_001202435.3, NM_001353948.2 and 10 more transcripts); c.-1397C>G (NM_001353961.2).
Identifiers: ClinVar variation 937170 (VCV000937170.10), dbSNP rs1698032277, ClinGen allele CA429903220.